The following is an entry in ClinVar:

ClinVar aggregate classification (germline): Uncertain significance (1 of 4 stars; one submission).

Conditions:
Long QT syndrome (LQTS). Identifiers: MedGen C0023976, MeSH D008133, MONDO:0002442. Disease mechanism: loss of function. Inheritance: Various modes of inheritance.

Allele frequency attached by ClinVar (database versions not stated): gnomAD exomes below 0.00001 and 0.00001; TOPMed 0.00001.
gnomAD v4.1: 8 of 1,614,052 alleles (0.0005%); highest among the groups gnomAD compares: African/African-American, 0.0013%; no homozygotes.

Submission:

Labcorp Genetics (formerly Invitae), Labcorp
Classification: Uncertain significance for Long QT syndrome. Last evaluated: 2022-02-24. Review status: criteria provided, single submitter. Criteria: Invitae Variant Classification Sherloc (09022015). Collection method: clinical testing. Allele origin: germline.
Comment: This variant has not been reported in the literature in individuals affected with AKAP9-related conditions. ClinVar contains an entry for this variant (Variation ID: 852710). Algorithms developed to predict the effect of missense changes on protein structure and function are either unavailable or do not agree on the potential impact of this missense change (SIFT: "Deleterious"; PolyPhen-2: "Possibly Damaging"; Align-GVGD: "Class C0"). In summary, the available evidence is currently insufficient to determine the role of this variant in disease. Therefore, it has been classified as a Variant of Uncertain Significance. This sequence change replaces threonine, which is neutral and polar, with asparagine, which is neutral and polar, at codon 1126 of the AKAP9 protein (p.Thr1126Asn). This variant is present in population databases (no rsID available, gnomAD 0.0009%).

NM_005751.5(AKAP9):c.3377C>A (p.Thr1126Asn)

Gene: AKAP9 (A-kinase anchoring protein 9; plus strand). Cytogenetic location: 7q21.2.
Variant type: single nucleotide variant.
Coding change: c.3377C>A on transcript NM_005751.5 (MANE Select); coding-DNA position 3377, C replaced by A.
Protein change: p.Thr1126Asn; replaces threonine 1126 with asparagine.
Molecular consequence: missense variant.
Genome position (GRCh38, 1-based): chr7:92,012,487, C>A. VCF-style: chr7-92012487-C-A. GRCh37 (hg19) VCF-style: chr7-91641801-C-A.
Other names: c.3377C>A, p.Thr1126Asn (NM_147185.3); short protein forms T1126N.
Identifiers: ClinVar variation 852710 (VCV000852710.9), dbSNP rs1263526528, ClinGen allele CA368125859.